The following is an entry in ClinVar:

NM_001111125.3(IQSEC2):c.1919G>T (p.Arg640Met)

Gene: IQSEC2 (IQ motif and Sec7 domain ArfGEF 2; minus strand). Cytogenetic location: Xp11.22.
Variant type: single nucleotide variant.
Coding change: c.1919G>T on transcript NM_001111125.3 (MANE Select); coding-DNA position 1919, G replaced by T.
Protein change: p.Arg640Met; replaces arginine 640 with methionine.
Molecular consequence: missense variant.
Genome position (GRCh38, 1-based): chrX:53,250,657, C>A on the plus strand (G>T on the coding strand, the complement: IQSEC2 is on the minus strand). VCF-style: chrX-53250657-C-A. GRCh37 (hg19) VCF-style: chrX-53279839-C-A.
Other names: c.1919G>T, p.Arg640Met (NM_001410736.1); c.1304G>T, p.Arg435Met (NM_015075.2); short protein forms R435M, R640M.
Identifiers: ClinVar variation 3343619 (VCV003343619.1).

ClinVar aggregate classification (germline): Uncertain significance (1 of 4 stars; one submission).

Submission:

GeneDx
Classification: Uncertain significance. Last evaluated: 2023-05-29. Review status: criteria provided, single submitter. Criteria: GeneDx Variant Classification Process June 2021. Collection method: clinical testing. Allele origin: germline. Affected: yes.
Comment: Not observed at significant frequency in large population cohorts (gnomAD); In silico analysis supports that this missense variant does not alter protein structure/function; Has not been previously published as pathogenic or benign to our knowledge